The following is an entry in ClinVar:

NM_001356.5(DDX3X):c.1675CTT[1] (p.Leu560del)

Gene: DDX3X (DEAD-box helicase 3 X-linked; plus strand). Cytogenetic location: Xp11.4.
Variant type: Microsatellite.
Coding change: c.1675CTT[1] on transcript NM_001356.5 (MANE Select); one copy of the 3-base unit CTT starting at c.1675; the reference has two copies in a row; one copy, 3 bases deleted; also written c.1678_1680del.
Protein change: p.Leu560del; deletes leucine 560.
Molecular consequence: inframe deletion. On other transcripts: non-coding transcript variant (1).
Genome position (GRCh38, 1-based): chrX:41,346,921-41,346,923, CTT deleted; deleting any 3 consecutive bases within chrX:41,346,917-41,346,923 gives the same sequence; the position shown is the placement nearest the transcript's 3' end. VCF-style (leftmost placement, unchanged base first): chrX-41346916-ATCT-A. GRCh37 (hg19) VCF-style: chrX-41206169-ATCT-A.
Other names: c.1678_1680delCTT (NM_001193416.1, NM_001193416.2); c.1675CTT[1], p.Leu560del (NM_001193416.3); c.1627CTT[1], p.Leu544del (NM_001193417.3); c.1117CTT[1], p.Leu374del (NM_001363819.1); c.1678_1680del (NM_001356.5, NM_001356.4); short protein forms L560del, L544del, L374del.
Identifiers: ClinVar variation 503738 (VCV000503738.60), dbSNP rs1555954380, ClinGen allele CA658799715.

ClinVar aggregate classification (germline): Pathogenic/Likely pathogenic. Review status: criteria provided, multiple submitters, no conflicts (2 of 4 stars). 10 submissions from 10 submitters: Pathogenic (3); Likely pathogenic (6). 1 of the submissions does not count toward it. Last evaluated 2026-03-12.
ClinVar aggregate classification (somatic clinical impact): Tier I - Strong (1 of 4 stars; one submission).

Conditions:
DDX3X-related disorder. Also called: DDX3X-related condition.
Intellectual disability, X-linked 102 (MRXSSB). Also called: Intellectual developmental disorder, X-linked syndromic, Snijders Blok type. Identifiers: Orphanet 457260, MedGen C5393299, MONDO:0010497, OMIM 300958.
Intellectual disability. Also called: intellectual disabilities; Intellectual developmental disorder; Intellectual functioning disability. Identifiers: MedGen C3714756, MeSH D008607, MONDO:0001071, HP:0001249.
Medulloblastoma WNT activated. Identifiers: MedGen C4331965, MONDO:0850196.

Submissions (11):

PreventionGenetics, part of Exact Sciences
Classification: Likely pathogenic for DDX3X-related condition. Last evaluated: 2026-03-12. Review status: criteria provided, single submitter. Criteria: ACMG Guidelines, 2015. Collection method: clinical testing. Allele origin: germline.
Comment: The DDX3X c.1678_1680delCTT variant is predicted to result in an in-frame deletion (p.Leu560del). This variant was reported as a de novo variant in an individual with intellectual disability (Snijders Blok et al. 2015. PubMed ID: 26235985; Wright et al. 2019. PubMed ID: 31278258; Kaplanis et al. 2020. PubMed ID: 33057194). This variant has not been reported in a large population database (gnomAD), indicating this variant is rare. This variant is interpreted as likely pathogenic.

Institute for Genomic Medicine (IGM) Clinical Laboratory, Nationwide Children's Hospital
Classification: Tier I - Strong for Medulloblastoma WNT activated. Assertion type: diagnostic. Clinical significance: supports diagnosis. Last evaluated: 2025-05-19. Review status: criteria provided, single submitter. Criteria: AMP/ASCO/CAP Guidelines, 2017. Collection method: clinical testing. Allele origin: somatic. Affected: yes.
Comment: Variant has Tier I (strong) clinical significance as a diagnostic inclusion criterion in medulloblastoma WNT activated, based on the following evidence: 1) Documented in one or more cancer databases (e.g., St. Jude Pecan, COSMIC, CIViC, OncoKB). 2) Information in the literature supports potential biologic effect of variant (PMID: 38057330). 3) Diagnostic for a specific tumor type/classification based on well-powered studies with expert-level consensus (Evidence Level B; PMIDs: 22722829, 22820256, 22832583, 28726821).

Dasa
Classification: Likely pathogenic. Last evaluated: 2024-12-10. Review status: criteria provided, single submitter. Criteria: DASA Assertion Criteria. Collection method: clinical testing. Allele origin: germline.
Comment: NM_001356.5(DDX3X):c.1678_1680del (p.Leu560del) is an in-frame deletion predicted to remove leucine at protein position 560 without shifting the reading frame. This variant has been reported in individuals with DDX3X-related disorders (PMID: 26235985). This variant has been reported as a de novo occurrence in an affected individual (PMID: 26235985). Also, this variant is absent from population databases. Based on the currently available evidence, this variant is classified as likely pathogenic.

MGZ Medical Genetics Center
Classification: Likely pathogenic for Intellectual disability, X-linked 102. Last evaluated: 2022-08-09. Review status: criteria provided, single submitter. Criteria: ACMG Guidelines, 2015. Collection method: clinical testing. Allele origin: germline. Affected: yes. Observed: 1 variant allele.
Comment: ACMG criteria applied: PS2, PS4_SUP, PM2_SUP, PP2, PP3

GeneDx
Classification: Pathogenic. Last evaluated: 2022-07-15. Review status: criteria provided, single submitter. Criteria: GeneDx Variant Classification Process June 2021. Collection method: clinical testing. Allele origin: germline. Affected: yes.
Comment: Not observed in large population cohorts (gnomAD); In-frame deletion of one amino acid in a non-repeat region; In silico analysis, which includes protein predictors and evolutionary conservation, supports a deleterious effect; This variant is associated with the following publications: (PMID: 26235985, 31278258)

CeGaT Center for Human Genetics Tuebingen
Classification: Pathogenic. Last evaluated: 2021-07-01. Review status: criteria provided, single submitter. Criteria: CeGaT Center For Human Genetics Tuebingen Variant Classification Criteria Version 2. Collection method: clinical testing. Allele origin: germline. Affected: yes. Observed: 2 variant alleles.

Diagnostic Laboratory, Strasbourg University Hospital
Classification: Pathogenic for Intellectual disability. Last evaluated: 2020-09-10. Review status: criteria provided, single submitter. Criteria: ACMG Guidelines, 2015. Collection method: clinical testing. Allele origin: de novo. Affected: yes. Observed: 1 heterozygote.

Baylor Genetics
Classification: Likely pathogenic for Intellectual disability, X-linked 102. Last evaluated: 2018-05-04. Review status: criteria provided, single submitter. Criteria: ACMG Guidelines, 2015. Collection method: clinical testing. Allele origin: de novo. Affected: yes.
Comment: This variant was determined to be likely pathogenic according to ACMG Guidelines, 2015 [PMID:25741868]. This variant has been previously reported as de novo in one patient with intellectual disability [PMID 26235985]

Genetic Services Laboratory, University of Chicago
Classification: Likely pathogenic. Last evaluated: 2017-10-12. Review status: criteria provided, single submitter. Criteria: ACMG Guidelines, 2015. Collection method: clinical testing. Allele origin: germline. Affected: yes.

Juno Genomics, Hangzhou Juno Genomics, Inc
Classification: Likely pathogenic for Intellectual disability, X-linked 102. Review status: criteria provided, single submitter. Criteria: ACMG Guidelines, 2015. Collection method: clinical testing. Allele origin: germline. Affected: yes.
Comment: Absent from controls (or at extremely low frequency if recessive) in Genome Aggregation Database, Exome Sequencing Project, 1000 Genomes Project, or Exome Aggregation Consortium.;Protein length changes due to in-frame deletions/insertions in a non-repeat region or stop-loss variants.;The prevalence of the variant in affected individuals is significantly increased compared to the prevalence in controls.;De novo (both maternity and paternity confirmed) in a patient with the disease and no family history.

Clinical Genomics Laboratory, Stanford Medicine
Classification: Likely pathogenic for Intellectual disability, X-linked 102. Last evaluated: 2019-09-16. Review status: no assertion criteria provided. Collection method: clinical testing. Allele origin: germline. Inheritance: X-linked inheritance. Affected: yes. Not counted in ClinVar's aggregate classification.
Comment: The p.Leu560del variant in the DDX3X gene has been previously reported de novo in 3 individuals with intellectual disability and other features including global developmental delay, vision issues, hypotonia, hyperlaxity, abnormal brain imaging, and microcephaly (GeneDx pers. comm., Sep 10, 2019; Snijders Blok et al., 2015). This variant was absent from large population databases, including the Genome Aggregation Database. The p.Leu560del variant results in an in-frame deletion of 1 amino acid in the helicase C-terminal domain of DDX3X. Computational tools predict that this variant is deleterious; however, the accuracy of in silico algorithms is limited. These data were assessed using the ACMG/AMP variant interpretation guidelines. In summary, there is sufficient evidence to classify the p.Leu560del variant as likely pathogenic for intellectual disability 102 in an X-linked dominant manner based on the information above. [ACMG evidence codes used: PS2; PM2; PP3]

Literature cited by the submitters: PubMed 38057330 (cited by Institute for Genomic Medicine (IGM) Clinical Laboratory, Nationwide Children's Hospital); PubMed 22722829 (cited by Institute for Genomic Medicine (IGM) Clinical Laboratory, Nationwide Children's Hospital); PubMed 22820256 (cited by Institute for Genomic Medicine (IGM) Clinical Laboratory, Nationwide Children's Hospital); PubMed 22832583 (cited by Institute for Genomic Medicine (IGM) Clinical Laboratory, Nationwide Children's Hospital); PubMed 28726821 (cited by Institute for Genomic Medicine (IGM) Clinical Laboratory, Nationwide Children's Hospital); PubMed 26235985 (cited by Dasa and Baylor Genetics).